The following is an entry in ClinVar:

NM_000426.4(LAMA2):c.8703+1G>C

Gene: LAMA2 (laminin subunit alpha 2; plus strand). Cytogenetic location: 6q22.33.
Variant type: single nucleotide variant.
Coding change: c.8703+1G>C on transcript NM_000426.4 (MANE Select); the canonical splice donor site of the intron after coding-DNA position 8703, G replaced by C.
Molecular consequence: splice donor variant.
Genome position (GRCh38, 1-based): chr6:129,505,356, G>C. VCF-style: chr6-129505356-G-C. GRCh37 (hg19) VCF-style: chr6-129826501-G-C.
Other names: c.8691+1G>C (NM_001079823.2).
Identifiers: ClinVar variation 1478971 (VCV001478971.8), dbSNP rs1446002589, ClinGen allele CA365635082.

ClinVar aggregate classification (germline): Likely pathogenic (1 of 4 stars; one submission).

Conditions:
LAMA2-related muscular dystrophy (LAMA2-RD). Also called: Laminin alpha 2-related dystrophy. Identifiers: MedGen C5679788, MONDO:0100228.

Submission:

Labcorp Genetics (formerly Invitae), Labcorp
Classification: Likely pathogenic for LAMA2-related muscular dystrophy. Last evaluated: 2021-03-18. Review status: criteria provided, single submitter. Criteria: Invitae Variant Classification Sherloc (09022015). Collection method: clinical testing. Allele origin: germline.
Comment: Algorithms developed to predict the effect of sequence changes on RNA splicing suggest that this variant may disrupt the consensus splice site, but this prediction has not been confirmed by published transcriptional studies. This sequence change affects a donor splice site in intron 61 of the LAMA2 gene. It is expected to disrupt RNA splicing. Variants that disrupt the donor or acceptor splice site typically lead to a loss of protein function (PMID: 16199547), and loss-of-function variants in LAMA2 are known to be pathogenic (PMID: 18700894). This variant is not present in population databases (ExAC no frequency). Disruption of this splice site has been observed in individual(s) with limb-girdle muscular dystrophy (PMID: 27708273). In summary, the currently available evidence indicates that the variant is pathogenic, but additional data are needed to prove that conclusively. Therefore, this variant has been classified as Likely Pathogenic.

Literature cited by the submitters: PubMed 16199547; PubMed 18700894; PubMed 27708273.